The following is an entry in ClinVar:

NM_177438.3(DICER1):c.2659_2661del (p.Ser888del)

Gene: DICER1 (dicer 1, ribonuclease III; minus strand). Cytogenetic location: 14q32.13.
Variant type: Deletion.
Coding change: c.2659_2661del on transcript NM_177438.3 (MANE Select); coding-DNA positions 2659 to 2661, 3 bases deleted (TCC; older notation c.2659_2661delTCC).
Protein change: p.Ser888del; deletes serine 888.
Molecular consequence: inframe deletion.
Genome position (GRCh38, 1-based): chr14:95,107,751-95,107,753, GGA deleted on the plus strand (TCC on the coding strand, the reverse complement: DICER1 is on the minus strand); deleting any 3 consecutive bases within chr14:95,107,751-95,107,754 gives the same sequence; the c. name uses the placement nearest the transcript's 3' end. VCF-style (leftmost placement, unchanged base first): chr14-95107750-TGGA-T. GRCh37 (hg19) VCF-style: chr14-95574087-TGGA-T.
Other names: c.2659_2661del, p.Ser888del (NM_001195573.1, NM_001271282.3, NM_001291628.2 and 1 more transcripts); short protein forms S888del.
Identifiers: ClinVar variation 1516505 (VCV001516505.11), dbSNP rs2140020508, ClinGen allele CA2573150470.

ClinVar aggregate classification (germline): Uncertain significance. Review status: criteria provided, multiple submitters, no conflicts (2 of 4 stars). 2 submissions from 2 submitters: Uncertain significance (2). Last evaluated 2022-06-13.

Conditions:
DICER1-related tumor predisposition. Also called: DICER1 syndrome; DICER1-related pleuropulmonary blastoma cancer predisposition syndrome. Identifiers: Orphanet 284343, MedGen C3839822, MONDO:0100216.
Hereditary cancer-predisposing syndrome. Also called: Neoplastic Syndromes, Hereditary; Hereditary Cancer Syndrome; Tumor predisposition; Hereditary neoplastic syndrome. Identifiers: Orphanet 140162, MedGen C0027672, MeSH D009386, MONDO:0015356.

Submissions (2):

Ambry Genetics
Classification: Uncertain significance for Hereditary cancer-predisposing syndrome. Last evaluated: 2022-06-13. Review status: criteria provided, single submitter. Criteria: Ambry Variant Classification Scheme 2023. Collection method: clinical testing. Allele origin: germline.
Comment: The c.2659_2661delTCC variant (also known as p.S888del) is located in coding exon 16 of the DICER1 gene. This variant results from an in-frame TCC deletion at nucleotide positions 2659 to 2661. This results in the in-frame deletion of a serine at codon 888. This amino acid position is not well conserved in available vertebrate species. In addition, this alteration is predicted to be neutral by in silico analysis (Choi Y et al. PLoS ONE. 2012; 7(10):e46688). Since supporting evidence is limited at this time, the clinical significance of this alteration remains unclear.

Labcorp Genetics (formerly Invitae), Labcorp
Classification: Uncertain significance for DICER1-related tumor predisposition. Last evaluated: 2021-06-13. Review status: criteria provided, single submitter. Criteria: Invitae Variant Classification Sherloc (09022015). Collection method: clinical testing. Allele origin: germline.
Comment: In summary, the available evidence is currently insufficient to determine the role of this variant in disease. Therefore, it has been classified as a Variant of Uncertain Significance. Experimental studies and prediction algorithms are not available or were not evaluated, and the functional significance of this variant is currently unknown. This variant has not been reported in the literature in individuals with DICER1-related conditions. This variant is not present in population databases (ExAC no frequency). This variant, c.2659_2661del, results in the deletion of 1 amino acid(s) of the DICER1 protein (p.Ser888del), but otherwise preserves the integrity of the reading frame.